The following is an entry in ClinVar:

NM_000368.5(TSC1):c.1351A>C (p.Lys451Gln)

Gene: TSC1 (TSC complex subunit 1; minus strand). Cytogenetic location: 9q34.13.
Variant type: single nucleotide variant.
Coding change: c.1351A>C on transcript NM_000368.5 (MANE Select); coding-DNA position 1351, A replaced by C.
Protein change: p.Lys451Gln; replaces lysine 451 with glutamine.
Molecular consequence: missense variant. On other transcripts: non-coding transcript variant (5).
Genome position (GRCh38, 1-based): chr9:132,906,818, T>G on the plus strand (A>C on the coding strand, the complement: TSC1 is on the minus strand). VCF-style: chr9-132906818-T-G. GRCh37 (hg19) VCF-style: chr9-135782205-T-G.
Other names: c.1348A>C, p.Lys450Gln (NM_001162426.2, NM_001406597.1, NM_001406598.1 and 6 more transcripts); c.1198A>C, p.Lys400Gln (NM_001162427.2, NM_001406610.1); c.988A>C, p.Lys330Gln (NM_001362177.2, NM_001406624.1, NM_001406614.1 and 5 more transcripts); c.1351A>C, p.Lys451Gln (NM_001406592.1, NM_001406593.1, NM_001406594.1 and 7 more transcripts); c.985A>C, p.Lys329Gln (NM_001406621.1, NM_001406622.1, NM_001406623.1 and 2 more transcripts); c.400A>C, p.Lys134Gln (NM_001406626.1); c.397A>C, p.Lys133Gln (NM_001406627.1, NM_001406628.1); c.298A>C, p.Lys100Gln (NM_001406629.1, NM_001406630.1); and 1 more; short protein forms K100Q, K400Q, K133Q, K451Q, K399Q, K450Q, K134Q, K329Q.
Identifiers: ClinVar variation 2701449 (VCV002701449.3), dbSNP rs2538771643, ClinGen allele CA375366027.

ClinVar aggregate classification (germline): Uncertain significance (1 of 4 stars; one submission).

Conditions:
Tuberous sclerosis 1 (TSC1). Identifiers: Orphanet 805, MedGen C1854465, MONDO:0008612, OMIM 191100.

Submission:

Labcorp Genetics (formerly Invitae), Labcorp
Classification: Uncertain significance for Tuberous sclerosis 1. Last evaluated: 2023-12-08. Review status: criteria provided, single submitter. Criteria: Invitae Variant Classification Sherloc (09022015). Collection method: clinical testing. Allele origin: germline.
Comment: This sequence change replaces lysine, which is basic and polar, with glutamine, which is neutral and polar, at codon 451 of the TSC1 protein (p.Lys451Gln). This variant is not present in population databases (gnomAD no frequency). This variant has not been reported in the literature in individuals affected with TSC1-related conditions. Advanced modeling of protein sequence and biophysical properties (such as structural, functional, and spatial information, amino acid conservation, physicochemical variation, residue mobility, and thermodynamic stability) performed at Invitae indicates that this missense variant is not expected to disrupt TSC1 protein function with a negative predictive value of 95%. In summary, the available evidence is currently insufficient to determine the role of this variant in disease. Therefore, it has been classified as a Variant of Uncertain Significance.